The following is an entry in ClinVar:

ClinVar aggregate classification (germline): Uncertain significance. Review status: criteria provided, multiple submitters, no conflicts (2 of 4 stars). 4 submissions from 4 submitters: Uncertain significance (3). 1 of the submissions does not count toward it. Last evaluated 2022-08-16.

Conditions:
Medulloblastoma (MDB). Also called: MEDULLOBLASTOMA PREDISPOSITION SYNDROME; Medulloblastoma, somatic. Identifiers: Orphanet 616, MedGen C0025149, MeSH D008527, MONDO:0007959, OMIM 155255, HP:0002885.
Familial dysautonomia. Also called: HSAN III; FD. Identifiers: Orphanet 1764, MedGen C0013364, MONDO:0009131, OMIM 223900. Disease mechanism: loss of function.

Allele frequency attached by ClinVar (database versions not stated): gnomAD exomes below 0.00001 and 0.00002; ExAC 0.00002; gnomAD 0.00003 and 0.00004; TOPMed 0.00005; ESP Exome Variant Server 0.00008.
gnomAD v4.1: 8 of 1,607,954 alleles (0.0005%); highest among the groups gnomAD compares: African/African-American, 0.008%; no homozygotes.

Submissions (4):

Ambry Genetics
Classification: Uncertain significance. Last evaluated: 2022-08-16. Review status: criteria provided, single submitter. Criteria: Ambry Variant Classification Scheme 2023. Collection method: clinical testing. Allele origin: germline.
Comment: The p.V762M variant (also known as c.2284G>A) is located in coding exon 21 of the IKBKAP gene. The valine at codon 762 is replaced by methionine, an amino acid with highly similar properties. This change occurs in the first base pair of coding exon 21. This amino acid position is conserved. In addition, this alteration is predicted to be tolerated by in silico analysis. Since supporting evidence is limited at this time, the clinical significance of this alteration remains unclear.

Labcorp Genetics (formerly Invitae), Labcorp
Classification: Uncertain significance. Last evaluated: 2022-07-12. Review status: criteria provided, single submitter. Criteria: Invitae Variant Classification Sherloc (09022015). Collection method: clinical testing. Allele origin: germline.
Comment: This sequence change replaces valine, which is neutral and non-polar, with methionine, which is neutral and non-polar, at codon 762 of the IKBKAP protein (p.Val762Met). The frequency data for this variant in the population databases is considered unreliable, as metrics indicate poor data quality at this position in the gnomAD database. This variant has not been reported in the literature in individuals affected with IKBKAP-related conditions. ClinVar contains an entry for this variant (Variation ID: 577835). Algorithms developed to predict the effect of missense changes on protein structure and function are either unavailable or do not agree on the potential impact of this missense change (SIFT: "Tolerated"; PolyPhen-2: "Probably Damaging"; Align-GVGD: "Class C0"). In summary, the available evidence is currently insufficient to determine the role of this variant in disease. Therefore, it has been classified as a Variant of Uncertain Significance.

Fulgent Genetics
Classification: Uncertain significance for Medulloblastoma; Familial dysautonomia. Last evaluated: 2021-09-28. Review status: criteria provided, single submitter. Criteria: ACMG Guidelines, 2015. Collection method: clinical testing. Allele origin: unknown.

Natera, Inc.
Classification: Uncertain significance for Hereditary sensory and autonomic neuropathy type III. Last evaluated: 2020-01-17. Review status: no assertion criteria provided. Collection method: clinical testing. Allele origin: germline. Not counted in ClinVar's aggregate classification.

NM_003640.5(ELP1):c.2284G>A (p.Val762Met)

Gene: ELP1 (elongator acetyltransferase complex subunit 1; minus strand). Cytogenetic location: 9q31.3.
Variant type: single nucleotide variant.
Coding change: c.2284G>A on transcript NM_003640.5 (MANE Select); coding-DNA position 2284, G replaced by A.
Protein change: p.Val762Met; replaces valine 762 with methionine.
Molecular consequence: missense variant.
Genome position (GRCh38, 1-based): chr9:108,898,581, C>T on the plus strand (G>A on the coding strand, the complement: ELP1 is on the minus strand). VCF-style: chr9-108898581-C-T. GRCh37 (hg19) VCF-style: chr9-111660861-C-T.
Other names: c.2284G>A (LRG_251t1); c.1942G>A, p.Val648Met (NM_001318360.2); c.1237G>A, p.Val413Met (NM_001330749.2); short protein forms V762M, V413M, V648M.
Identifiers: ClinVar variation 577835 (VCV000577835.7), dbSNP rs146338880, ClinGen allele CA5174700.